The following is an entry in ClinVar:

NM_020988.3(GNAO1):c.290A>G (p.Asp97Gly)

Gene: GNAO1 (G protein subunit alpha o1; plus strand). Cytogenetic location: 16q13.
Variant type: single nucleotide variant.
Coding change: c.290A>G on transcript NM_020988.3 (MANE Select); coding-DNA position 290, A replaced by G.
Protein change: p.Asp97Gly; replaces aspartic acid 97 with glycine.
Molecular consequence: missense variant.
Genome position (GRCh38, 1-based): chr16:56,276,059, A>G. VCF-style: chr16-56276059-A-G. GRCh37 (hg19) VCF-style: chr16-56309971-A-G.
Other names: c.290A>G, p.Asp97Gly (NM_138736.3); short protein forms D97G.
Identifiers: ClinVar variation 1056470 (VCV001056470.16), dbSNP rs778669032, ClinGen allele CA396128239.
Genomic context (GRCh38, chr16:56,276,059, plus strand): 5'-CTATCCAGTCCCTGGCAGCCATCGTCCGGGCCATGGACACTTTGGGCATCGAATATGGTG[A>G]TAAGGAGAGAAAGGTAGGCCCCTGAGCCCATAAGCACAGCAACAAGAGGTTCTGTCTGTG-3'
Protein context (NP_066268.1, residues 87-107): AMDTLGIEYG[Asp97Gly]KERKADAKMV

ClinVar aggregate classification (germline): Uncertain significance. Review status: criteria provided, multiple submitters, no conflicts (2 of 4 stars). 2 submissions from 2 submitters: Uncertain significance (2). Last evaluated 2025-07-15.

Conditions:
Early-infantile DEE. Also called: Ohtahara syndrome; Early infantile epileptic encephalopathy with suppression bursts; Early infantile epileptic encephalopathy. Identifiers: Orphanet 1934, MedGen C0393706, MONDO:0800491.

gnomAD v4.1: 5 of 1,613,726 alleles (0.00031%); highest among the groups gnomAD compares: Non-Finnish European, 0.00042%; no homozygotes.

Submissions (2):

GeneDx
Classification: Uncertain significance. Last evaluated: 2025-07-15. Review status: criteria provided, single submitter. Criteria: GeneDx Variant Classification Process June 2021. Collection method: clinical testing. Allele origin: germline. Affected: yes.
Comment: Has not been previously published as pathogenic or benign to our knowledge; In silico analysis supports that this missense variant has a deleterious effect on protein structure/function; In silico analysis supports a deleterious effect on splicing

Labcorp Genetics (formerly Invitae), Labcorp
Classification: Uncertain significance for Early-infantile DEE. Last evaluated: 2023-04-06. Review status: criteria provided, single submitter. Criteria: Invitae Variant Classification Sherloc (09022015). Collection method: clinical testing. Allele origin: germline.
Comment: This sequence change replaces aspartic acid, which is acidic and polar, with glycine, which is neutral and non-polar, at codon 97 of the GNAO1 protein (p.Asp97Gly). This variant is present in population databases (no rsID available, gnomAD 0.0009%). This variant has not been reported in the literature in individuals affected with GNAO1-related conditions. ClinVar contains an entry for this variant (Variation ID: 1056470). Advanced modeling of protein sequence and biophysical properties (such as structural, functional, and spatial information, amino acid conservation, physicochemical variation, residue mobility, and thermodynamic stability) has been performed at Invitae for this missense variant, however the output from this modeling did not meet the statistical confidence thresholds required to predict the impact of this variant on GNAO1 protein function. Algorithms developed to predict the effect of sequence changes on RNA splicing suggest that this variant may create or strengthen a splice site. In summary, the available evidence is currently insufficient to determine the role of this variant in disease. Therefore, it has been classified as a Variant of Uncertain Significance.